The following is an entry in ClinVar:

NM_012470.4(TNPO3):c.2708C>G (p.Thr903Ser)

Gene: TNPO3 (transportin 3; minus strand). Cytogenetic location: 7q32.1.
Variant type: single nucleotide variant.
Coding change: c.2708C>G on transcript NM_012470.4 (MANE Select); coding-DNA position 2708, C replaced by G.
Protein change: p.Thr903Ser; replaces threonine 903 with serine.
Molecular consequence: missense variant. On other transcripts: non-coding transcript variant (18).
Genome position (GRCh38, 1-based): chr7:128,967,283, G>C on the plus strand (C>G on the coding strand, the complement: TNPO3 is on the minus strand). VCF-style: chr7-128967283-G-C. GRCh37 (hg19) VCF-style: chr7-128607337-G-C.
Other names: c.2516C>G, p.Thr839Ser (NM_001191028.3, NM_001382223.1); c.2810C>G, p.Thr937Ser (NM_001382216.1); c.2789C>G, p.Thr930Ser (NM_001382217.1); c.2708C>G, p.Thr903Ser (NM_001382218.1); c.2600C>G, p.Thr867Ser (NM_001382219.1); c.2567C>G, p.Thr856Ser (NM_001382220.1); c.2564C>G, p.Thr855Ser (NM_001382221.1); c.2561C>G, p.Thr854Ser (NM_001382222.1); and 1 more; short protein forms T903S, T839S, T854S, T855S, T856S, T867S, T930S, T937S.
Identifiers: ClinVar variation 595992 (VCV000595992.7), dbSNP rs760847102, ClinGen allele CA4477810.

ClinVar aggregate classification (germline): Uncertain significance. Review status: criteria provided, multiple submitters, no conflicts (2 of 4 stars). 3 submissions from 3 submitters: Uncertain significance (3). Last evaluated 2025-02-04.

Conditions:
Autosomal dominant limb-girdle muscular dystrophy type 1F (LGMDD2). Also called: MUSCULAR DYSTROPHY, LIMB-GIRDLE, AUTOSOMAL DOMINANT 2; Limb-girdle muscular dystrophy, type 1F. Identifiers: Orphanet 55595, MedGen C1842062, MONDO:0012034, OMIM 608423.
Inborn genetic diseases. Identifiers: MedGen C0950123, MeSH D030342.

Allele frequency attached by ClinVar (database versions not stated): gnomAD exomes below 0.00001; ExAC 0.00001; TOPMed 0.00001.
gnomAD v4.1: 1 of 1,602,710 alleles (0.000062%); highest among the groups gnomAD compares: African/African-American, 0.0013%; no homozygotes.

Submissions (3):

Labcorp Genetics (formerly Invitae), Labcorp
Classification: Uncertain significance for Autosomal dominant limb-girdle muscular dystrophy type 1F. Last evaluated: 2025-02-04. Review status: criteria provided, single submitter. Criteria: Invitae Variant Classification Sherloc (09022015). Collection method: clinical testing. Allele origin: germline.
Comment: This sequence change replaces threonine, which is neutral and polar, with serine, which is neutral and polar, at codon 903 of the TNPO3 protein (p.Thr903Ser). This variant is present in population databases (rs760847102, gnomAD 0.007%). This variant has not been reported in the literature in individuals affected with TNPO3-related conditions. ClinVar contains an entry for this variant (Variation ID: 595992). An algorithm developed to predict the effect of missense changes on protein structure and function (PolyPhen-2) suggests that this variant is likely to be tolerated. In summary, the available evidence is currently insufficient to determine the role of this variant in disease. Therefore, it has been classified as a Variant of Uncertain Significance.

Ambry Genetics
Classification: Uncertain significance for Inborn genetic diseases. Last evaluated: 2024-05-20. Review status: criteria provided, single submitter. Criteria: Ambry Variant Classification Scheme 2023. Collection method: clinical testing. Allele origin: germline.

Eurofins Ntd Llc (ga)
Classification: Uncertain significance. Last evaluated: 2018-02-12. Review status: criteria provided, single submitter. Criteria: EGL ClinVar v180209 classification definitions. Collection method: clinical testing. Allele origin: germline. Observed: 1 variant allele, 1 heterozygote.